The following is an entry in ClinVar:

ClinVar aggregate classification (germline): Uncertain significance (1 of 4 stars; one submission).

Submission:

Labcorp Genetics (formerly Invitae), Labcorp
Classification: Uncertain significance. Last evaluated: 2023-04-12. Review status: criteria provided, single submitter. Criteria: Invitae Variant Classification Sherloc (09022015). Collection method: clinical testing. Allele origin: germline.
Comment: In summary, the available evidence is currently insufficient to determine the role of this variant in disease. Therefore, it has been classified as a Variant of Uncertain Significance. This sequence change replaces glycine, which is neutral and non-polar, with aspartic acid, which is acidic and polar, at codon 516 of the TNFRSF11A protein (p.Gly516Asp). This variant is not present in population databases (gnomAD no frequency). This variant has not been reported in the literature in individuals affected with TNFRSF11A-related conditions. An algorithm developed to predict the effect of missense changes on protein structure and function (PolyPhen-2) suggests that this variant is likely to be tolerated.

NM_003839.4(TNFRSF11A):c.1547G>A (p.Gly516Asp)

Gene: TNFRSF11A (TNF receptor superfamily member 11a; plus strand). Cytogenetic location: 18q21.33.
Variant type: single nucleotide variant.
Coding change: c.1547G>A on transcript NM_003839.4 (MANE Select); coding-DNA position 1547, G replaced by A.
Protein change: p.Gly516Asp; replaces glycine 516 with aspartic acid.
Molecular consequence: missense variant. On other transcripts: intron variant (3).
Genome position (GRCh38, 1-based): chr18:62,369,464, G>A. VCF-style: chr18-62369464-G-A. GRCh37 (hg19) VCF-style: chr18-60036697-G-A.
Other names: c.1505G>A, p.Gly502Asp (NM_001278268.2); c.783+2704G>A (NM_001270949.2); c.730+7671G>A (NM_001270950.2); c.616+9415G>A (NM_001270951.2); short protein forms G502D, G516D.
Identifiers: ClinVar variation 2855184 (VCV002855184.3), dbSNP rs2511594495, ClinGen allele CA402618210.